The following is an entry in ClinVar:

NM_006005.3(WFS1):c.2194C>T (p.Arg732Cys)

Gene: WFS1 (wolframin ER transmembrane glycoprotein; plus strand). Cytogenetic location: 4p16.1.
Variant type: single nucleotide variant.
Coding change: c.2194C>T on transcript NM_006005.3 (MANE Select); coding-DNA position 2194, C replaced by T.
Protein change: p.Arg732Cys; replaces arginine 732 with cysteine.
Molecular consequence: missense variant.
Genome position (GRCh38, 1-based): chr4:6,301,989, C>T. VCF-style: chr4-6301989-C-T. GRCh37 (hg19) VCF-style: chr4-6303716-C-T.
Other names: p.Arg732Cys; c.2194C>T, p.Arg732Cys (NM_001145853.1); short protein forms R732C.
Identifiers: ClinVar variation 215396 (VCV000215396.20), dbSNP rs71526458, ClinGen allele CA325020.

ClinVar aggregate classification (germline): Conflicting classifications of pathogenicity. Review status: criteria provided, conflicting classifications (1 of 4 stars). 12 submissions from 11 submitters: Likely pathogenic (8); Uncertain significance (2). 2 of the submissions do not count toward it. Last evaluated 2026-04-16.

Conditions:
WFS1-related disorder. Identifiers: MedGen CN379391, MONDO:0700293.
Myopia, high, with cataract and vitreoretinal degeneration (MCVD). Identifiers: MedGen C3280346, MONDO:0013670, OMIM 614292.
Type 2 diabetes mellitus. Also called: Type II diabetes mellitus. Identifiers: MedGen C0011860, MeSH D003924, MONDO:0005148, OMIM 125853, HP:0005978.
Monogenic diabetes. Identifiers: Orphanet 183625, MedGen C3888631, MONDO:0015967.
Wolfram syndrome 1 (WFS1). Identifiers: Orphanet 3463, MedGen C4551693, MONDO:0009101, OMIM 222300.
Wolfram-like syndrome. Also called: HEARING LOSS, PROGRESSIVE, WITH OPTIC ATROPHY AND/OR IMPAIRED GLUCOSE REGULATION. Identifiers: Orphanet 411590, MedGen C3280358, MONDO:0013673, OMIM 614296.
Cataract 41 (CTRCT41). Also called: CATARACT 41, CONGENITAL NUCLEAR TYPE. Identifiers: Orphanet 91492, Orphanet 98991, Orphanet 98992, Orphanet 98995, MedGen C3805412, MONDO:0007287, OMIM 116400.
Autosomal dominant nonsyndromic hearing loss 6 (LFSNHL). Also called: DEAFNESS, AUTOSOMAL DOMINANT 6; DEAFNESS, AUTOSOMAL DOMINANT 14; DEAFNESS, AUTOSOMAL DOMINANT 38; Autosomal dominant nonsyndromic deafness 6. Identifiers: Orphanet 90635, MedGen C1833021, MONDO:0010963, OMIM 600965.

Allele frequency attached by ClinVar (database versions not stated): gnomAD 0.00001; TOPMed 0.00002; ExAC 0.00004; gnomAD exomes 0.00006; ESP Exome Variant Server 0.00008.
gnomAD v4.1: 75 of 1,612,554 alleles (0.0047%); highest among the groups gnomAD compares: Middle Eastern, 0.066%; no homozygotes.

Submissions (12):

PreventionGenetics, part of Exact Sciences
Classification: Likely pathogenic for WFS1-related condition. Last evaluated: 2026-04-16. Review status: criteria provided, single submitter. Criteria: ACMG Guidelines, 2015. Collection method: clinical testing. Allele origin: germline.
Comment: The WFS1 c.2194C>T variant is predicted to result in the amino acid substitution p.Arg732Cys. This variant has been reported along with a second WFS1 variant in multiple individuals with phenotypic features of classical and non-classical Wolfram syndrome (La Morgia et al. 2020. PubMed ID: 32179840; Ren et al. 2021. PubMed ID: 34404380; Lin et al. 2021. PubMed ID: 34573359; Majander et al. 2022. PubMed ID: 35469785). This variant is reported in 0.017% of alleles in individuals of East Asian descent in gnomAD. This variant is interpreted as likely pathogenic for autosomal recessive Wolfram syndrome.

Dasa
Classification: Uncertain significance. Last evaluated: 2025-11-26. Review status: criteria provided, single submitter. Criteria: DASA Assertion Criteria. Collection method: clinical testing. Allele origin: germline.
Comment: NM_006005.3(WFS1):c.2194C>T (p.Arg732Cys) is a missense variant that results in the substitution of arginine with cysteine. This variant is rare in population databases. Computational prediction algorithms are consistent with a deleterious effect. The currently available literature and clinical evidence are not sufficient to establish a definitive association between this variant and the reported condition. Therefore, this variant is classified as a variant of uncertain significance.

First Genomix Gene Laboratory, Genetic Diagnostics Department
Classification: Likely pathogenic for Myopia, high, with cataract and vitreoretinal degeneration. Last evaluated: 2025-09-23. Review status: criteria provided, single submitter. Criteria: ACMG Guidelines, 2015. Collection method: clinical testing. Allele origin: germline. Inheritance: Autosomal recessive inheritance. Affected: no. Observed: 1 variant allele.

Labcorp Genetics (formerly Invitae), Labcorp
Classification: Likely pathogenic. Last evaluated: 2025-07-29. Review status: criteria provided, single submitter. Criteria: Invitae Variant Classification Sherloc (09022015). Collection method: clinical testing. Allele origin: germline.
Comment: This sequence change replaces arginine, which is basic and polar, with cysteine, which is neutral and slightly polar, at codon 732 of the WFS1 protein (p.Arg732Cys). This variant is present in population databases (rs71526458, gnomAD 0.02%). This missense change has been observed in individual(s) with autosomal recessive Wolfram syndrome and/or clinical features of WFS1-related conditions (PMID: 32179840, 34404380, 34573359, 35469785). ClinVar contains an entry for this variant (Variation ID: 215396). Invitae Evidence Modeling of protein sequence and biophysical properties (such as structural, functional, and spatial information, amino acid conservation, physicochemical variation, residue mobility, and thermodynamic stability) indicates that this missense variant is expected to disrupt WFS1 protein function with a positive predictive value of 95%. In summary, the currently available evidence indicates that the variant is pathogenic, but additional data are needed to prove that conclusively. Therefore, this variant has been classified as Likely Pathogenic.

First Genomix Gene Laboratory, Genetic Diagnostics Department
Classification: Likely pathogenic for Wolfram syndrome 1. Last evaluated: 2025-03-27. Review status: criteria provided, single submitter. Criteria: ACMG Guidelines, 2015. Collection method: clinical testing. Allele origin: germline. Inheritance: Autosomal recessive inheritance. Affected: no. Observed: 1 variant allele.

3billion
Classification: Likely pathogenic for Wolfram syndrome 1. Last evaluated: 2024-10-17. Review status: criteria provided, single submitter. Criteria: ACMG Guidelines, 2015. Collection method: clinical testing. Allele origin: germline. Affected: yes.
Comment: The variant is observed at an extremely low frequency in the gnomAD v4.1.0 dataset (total allele frequency: 0.005%). Predicted Consequence/Location: Missense variant In silico tool predictions suggest damaging effect of the variant on gene or gene product [REVEL: 0.93 (>=0.6, sensitivity 0.68 and specificity 0.92); 3Cnet: 0.39 (>=0.6, sensitivity 0.72 and precision 0.9)]. The same nucleotide change resulting in the same amino acid change has been previously reported as pathogenic/likely pathogenic with strong evidence (ClinVar ID: VCV000215396 /PMID: 32179840). The variant has been reported to be in trans with a pathogenic variant as either compound heterozygous or homozygous in at least one similarly affected unrelated individual (PMID: 32179840) Therefore, this variant is classified as Likely pathogenic according to the recommendation of ACMG/AMP guideline.

Blueprint Genetics
Classification: Uncertain significance. Last evaluated: 2024-10-11. Review status: criteria provided, single submitter. Criteria: ACMG Guidelines, 2015. Collection method: clinical testing. Allele origin: germline.

Fulgent Genetics
Classification: Likely pathogenic for Cataract 41; Type 2 diabetes mellitus; Wolfram syndrome 1; Autosomal dominant nonsyndromic hearing loss 6; Wolfram-like syndrome. Last evaluated: 2024-04-23. Review status: criteria provided, single submitter. Criteria: ACMG Guidelines, 2015. Collection method: clinical testing. Allele origin: germline.

Mayo Clinic Laboratories, Mayo Clinic
Classification: Likely pathogenic. Last evaluated: 2023-03-23. Review status: criteria provided, single submitter. Criteria: ACMG Guidelines, 2015. Collection method: clinical testing. Allele origin: germline. Observed: 1 variant allele.
Comment: PP3, PM2, PM3_supporting, PS4_moderate

Juno Genomics, Hangzhou Juno Genomics, Inc
Classification: Likely pathogenic for Wolfram syndrome 1. Review status: criteria provided, single submitter. Criteria: ACMG Guidelines, 2015. Collection method: clinical testing. Allele origin: germline.
Comment: Absent from controls (or at extremely low frequency if recessive) in Genome Aggregation Database.;Multiple lines of computational evidence support a deleterious effect on the gene or gene product.;For recessive disorders, detected in trans with a pathogenic variant.;Co-segregation with disease in multiple affected family members.

Genomics England Pilot Project, Genomics England
Classification: Pathogenic for Type 2 diabetes mellitus. Review status: no assertion criteria provided. Criteria: ACGS Guidelines, 2016. Collection method: clinical testing. Allele origin: germline. Affected: yes. Not counted in ClinVar's aggregate classification.

Personalized Diabetes Medicine Program, University of Maryland School of Medicine
Classification: Uncertain significance for Monogenic diabetes. Last evaluated: 2016-06-03. Review status: flagged submission. Criteria: ACMG Guidelines, 2015. Collection method: research. Allele origin: unknown. Observed: 1 variant allele, 1 heterozygote. Not counted in ClinVar's aggregate classification.
Comment: ACMG Criteria: PP3
ClinVar note: Reason: Older and outlier claim with insufficient supporting evidence

Literature cited by the submitters: PubMed 32179840 (cited by 3 submitters); PubMed 34404380 (cited by Labcorp Genetics (formerly Invitae), Labcorp and Mayo Clinic Laboratories, Mayo Clinic); PubMed 34573359 (cited by Labcorp Genetics (formerly Invitae), Labcorp and Mayo Clinic Laboratories, Mayo Clinic); PubMed 35469785 (cited by Labcorp Genetics (formerly Invitae), Labcorp and Mayo Clinic Laboratories, Mayo Clinic).